The following is an entry in ClinVar:

NM_001166108.2(PALLD):c.1965-12879C>T

Gene: PALLD (palladin, cytoskeletal associated protein; plus strand). Cytogenetic location: 4q32.3.
Variant type: single nucleotide variant.
Coding change: c.1965-12879C>T on transcript NM_001166108.2 (MANE Select); 12879 bases into the intron before coding-DNA position 1965, C replaced by T.
Molecular consequence: intron variant. On other transcripts: missense variant (1).
Genome position (GRCh38, 1-based): chr4:168,878,043, C>T. VCF-style: chr4-168878043-C-T. GRCh37 (hg19) VCF-style: chr4-169799194-C-T.
Other names: c.152C>T, p.Pro51Leu (NM_001166110.2); c.1965-12879C>T (NM_016081.4); c.819-12879C>T (NM_001166109.2); c.-157-12879C>T (NM_001367570.1, NM_001367568.1, NM_001367567.1 and 1 more transcripts); short protein forms P51L.
Identifiers: ClinVar variation 937926 (VCV000937926.10), dbSNP rs958031030, ClinGen allele CA358795233.

ClinVar aggregate classification (germline): Uncertain significance. Review status: criteria provided, multiple submitters, no conflicts (2 of 4 stars). 2 submissions from 2 submitters: Uncertain significance (2). Last evaluated 2024-10-05.

Conditions:
Pancreatic adenocarcinoma. Identifiers: MedGen C0281361, MONDO:0006047, HP:0006725.

gnomAD v4.1: 12 of 1,486,866 alleles (0.00081%); highest among the groups gnomAD compares: Non-Finnish European, 0.0011%; no homozygotes.

Submissions (2):

Ambry Genetics
Classification: Uncertain significance. Last evaluated: 2024-10-05. Review status: criteria provided, single submitter. Criteria: Ambry Variant Classification Scheme 2023. Collection method: clinical testing. Allele origin: germline.
Comment: The p.P51L variant (also known as c.152C>T), located in coding exon 1 of the PALLD gene, results from a C to T substitution at nucleotide position 152. The proline at codon 51 is replaced by leucine, an amino acid with similar properties. This amino acid position is conserved. In addition, this alteration is predicted to be tolerated by in silico analysis. Based on the available evidence, the clinical significance of this variant remains unclear.

Labcorp Genetics (formerly Invitae), Labcorp
Classification: Uncertain significance for Pancreatic adenocarcinoma. Last evaluated: 2023-02-24. Review status: criteria provided, single submitter. Criteria: Invitae Variant Classification Sherloc (09022015). Collection method: clinical testing. Allele origin: germline.
Comment: ClinVar contains an entry for this variant (Variation ID: 937926). This variant has not been reported in the literature in individuals affected with PALLD-related conditions. This variant is not present in population databases (gnomAD no frequency). This sequence change replaces proline, which is neutral and non-polar, with leucine, which is neutral and non-polar, at codon 51 of the PALLD protein (p.Pro51Leu). In summary, the available evidence is currently insufficient to determine the role of this variant in disease. Therefore, it has been classified as a Variant of Uncertain Significance. An algorithm developed to predict the effect of missense changes on protein structure and function (PolyPhen-2) suggests that this variant is likely to be tolerated.